The following is an entry in ClinVar:

ClinVar aggregate classification (germline): Uncertain significance. Review status: criteria provided, multiple submitters, no conflicts (2 of 4 stars). 2 submissions from 2 submitters: Uncertain significance (2). Last evaluated 2025-08-03.

Conditions:
Inborn genetic diseases. Identifiers: MedGen C0950123, MeSH D030342.
Pontocerebellar hypoplasia type 3 (PCH3). Also called: PCH WITH OPTIC ATROPHY; CEREBELLAR ATROPHY WITH PROGRESSIVE MICROCEPHALY. Identifiers: Orphanet 97249, MedGen C1842687, MONDO:0011948, OMIM 608027.

Allele frequency attached by ClinVar (database versions not stated): gnomAD exomes below 0.00001; TOPMed 0.00002.
gnomAD v4.1: 2 of 1,613,858 alleles (0.00012%); no homozygotes.

Submissions (2):

Ambry Genetics
Classification: Uncertain significance for Inborn genetic diseases. Last evaluated: 2025-08-03. Review status: criteria provided, single submitter. Criteria: Ambry Variant Classification Scheme 2023. Collection method: clinical testing. Allele origin: germline.

Baylor Genetics
Classification: Uncertain significance for Pontocerebellar hypoplasia type 3. Last evaluated: 2018-02-22. Review status: criteria provided, single submitter. Criteria: ACMG Guidelines, 2015. Collection method: clinical testing. Allele origin: unknown. Affected: yes.
Comment: This variant was determined to be of uncertain significance according to ACMG Guidelines, 2015 [PMID:25741868].

NM_033026.6(PCLO):c.863T>G (p.Ile288Arg)

Gene: PCLO (piccolo presynaptic cytomatrix protein; minus strand). Cytogenetic location: 7q21.11.
Variant type: single nucleotide variant.
Coding change: c.863T>G on transcript NM_033026.6 (MANE Select); coding-DNA position 863, T replaced by G.
Protein change: p.Ile288Arg; replaces isoleucine 288 with arginine.
Molecular consequence: missense variant.
Genome position (GRCh38, 1-based): chr7:83,155,778, A>C on the plus strand (T>G on the coding strand, the complement: PCLO is on the minus strand). VCF-style: chr7-83155778-A-C. GRCh37 (hg19) VCF-style: chr7-82785094-A-C.
Other names: c.863T>G, p.Ile288Arg (NM_014510.3); short protein forms I288R.
Identifiers: ClinVar variation 1032315 (VCV001032315.2), dbSNP rs1237855795, ClinGen allele CA367918953.